The following is an entry in ClinVar:

ClinVar aggregate classification (germline): Uncertain significance. Review status: criteria provided, multiple submitters, no conflicts (2 of 4 stars). 2 submissions from 2 submitters: Uncertain significance (2). Last evaluated 2024-02-23.

Conditions:
Fanconi anemia complementation group P. Also called: SLX4-Related Fanconi Anemia. Identifiers: Orphanet 84, MedGen C3469542, MONDO:0013499, OMIM 613951.
Fanconi anemia (FA). Also called: Fanconi's anemia. Identifiers: Orphanet 84, MedGen C0015625, MeSH D005199, MONDO:0019391.

gnomAD v4.1: 4 of 1,613,596 alleles (0.00025%); highest among the groups gnomAD compares: South Asian, 0.0011%; no homozygotes.

Submissions (2):

Labcorp Genetics (formerly Invitae), Labcorp
Classification: Uncertain significance for Fanconi anemia. Last evaluated: 2024-02-23. Review status: criteria provided, single submitter. Criteria: Invitae Variant Classification Sherloc (09022015). Collection method: clinical testing. Allele origin: germline.
Comment: This sequence change replaces serine, which is neutral and polar, with proline, which is neutral and non-polar, at codon 1743 of the SLX4 protein (p.Ser1743Pro). This variant is not present in population databases (gnomAD no frequency). This variant has not been reported in the literature in individuals affected with SLX4-related conditions. An algorithm developed to predict the effect of missense changes on protein structure and function (PolyPhen-2) suggests that this variant is likely to be disruptive. In summary, the available evidence is currently insufficient to determine the role of this variant in disease. Therefore, it has been classified as a Variant of Uncertain Significance.

Fulgent Genetics
Classification: Uncertain significance for Fanconi anemia complementation group P. Last evaluated: 2024-01-16. Review status: criteria provided, single submitter. Criteria: ACMG Guidelines, 2015. Collection method: clinical testing. Allele origin: germline.

NM_032444.4(SLX4):c.5227T>C (p.Ser1743Pro)

Gene: SLX4 (SLX4 structure-specific endonuclease subunit; minus strand). Cytogenetic location: 16p13.3.
Variant type: single nucleotide variant.
Coding change: c.5227T>C on transcript NM_032444.4 (MANE Select); coding-DNA position 5227, T replaced by C.
Protein change: p.Ser1743Pro; replaces serine 1743 with proline.
Molecular consequence: missense variant.
Genome position (GRCh38, 1-based): chr16:3,582,620, A>G on the plus strand (T>C on the coding strand, the complement: SLX4 is on the minus strand). VCF-style: chr16-3582620-A-G. GRCh37 (hg19) VCF-style: chr16-3632621-A-G.
Other names: short protein forms S1743P.
Identifiers: ClinVar variation 3580446 (VCV003580446.2).